The following is an entry in ClinVar:

ClinVar aggregate classification (germline): Likely benign. Review status: criteria provided, single submitter (1 of 4 stars). 2 submissions from 2 submitters: Likely benign (1). 1 of the submissions does not count toward it. Last evaluated 2024-07-31.

Conditions:
PPT1-related disorder. Also called: PPT1-related condition.
Neuronal ceroid lipofuscinosis 1 (CLN1). Also called: PPT1-Related Neuronal Ceroid-Lipofuscinosis; CEROID LIPOFUSCINOSIS, NEURONAL, 1, VARIABLE AGE AT ONSET. Identifiers: Orphanet 228329, MedGen C1850451, MONDO:0009744, OMIM 256730.

Allele frequency attached by ClinVar (database versions not stated): gnomAD exomes below 0.00001; TOPMed 0.00001.
gnomAD v4.1: 2 of 1,611,734 alleles (0.00012%); highest among the groups gnomAD compares: Admixed American, 0.0033%; no homozygotes.

Submissions (2):

Labcorp Genetics (formerly Invitae), Labcorp
Classification: Likely benign for Neuronal ceroid lipofuscinosis 1. Last evaluated: 2024-07-31. Review status: criteria provided, single submitter. Criteria: Invitae Variant Classification Sherloc (09022015). Collection method: clinical testing. Allele origin: germline.

PreventionGenetics, part of Exact Sciences
Classification: Likely benign for PPT1-related condition. Last evaluated: 2019-03-11. Review status: no assertion criteria provided. Collection method: clinical testing. Allele origin: germline. Not counted in ClinVar's aggregate classification.
Comment: This variant is classified as likely benign based on ACMG/AMP sequence variant interpretation guidelines (Richards et al. 2015 PMID: 25741868, with internal and published modifications).

NM_000310.4(PPT1):c.726+8A>G

Gene: PPT1 (palmitoyl-protein thioesterase 1; minus strand). Cytogenetic location: 1p34.2.
Variant type: single nucleotide variant.
Coding change: c.726+8A>G on transcript NM_000310.4 (MANE Select); 8 bases into the intron after coding-DNA position 726, A replaced by G.
Molecular consequence: intron variant.
Genome position (GRCh38, 1-based): chr1:40,078,552, T>C on the plus strand (A>G on the coding strand, the complement: PPT1 is on the minus strand). VCF-style: chr1-40078552-T-C. GRCh37 (hg19) VCF-style: chr1-40544224-T-C.
Other names: c.417+8A>G (NM_001142604.2); c.726+8A>G (NM_001363695.2, NM_000310.3).
Identifiers: ClinVar variation 1641847 (VCV001641847.10), dbSNP rs1648749980, ClinGen allele CA1164245515.
Genomic context (GRCh38, chr1:40,078,552, plus strand): 5'-GTGCCCGGCCAGCAGCCCTATTTTAATGCCATTTACTCTCCTGGCATGTGGCCTAAGTAG[T>C]GTCTCACCTCCGAATCTACAGGGTCCACAATGGAATCATTGAGGAATTTCACCATCACAA-3'